The following is an entry in ClinVar:

NM_001378615.1(CC2D2A):c.1483C>T (p.Arg495Cys)

Genes: CC2D2A (coiled-coil and C2 domain containing 2A; plus strand), FBXL5 (F-box and leucine rich repeat protein 5; minus strand). Cytogenetic location: 4p15.32.
Variant type: single nucleotide variant.
Coding change: c.1483C>T on transcript NM_001378615.1 (MANE Select); coding-DNA position 1483, C replaced by T.
Protein change: p.Arg495Cys; replaces arginine 495 with cysteine.
Molecular consequence: missense variant.
Genome position (GRCh38, 1-based): chr4:15,533,209, C>T. VCF-style: chr4-15533209-C-T. GRCh37 (hg19) VCF-style: chr4-15534832-C-T.
Other names: c.1483C>T, p.Arg495Cys (NM_001080522.2); c.1336C>T, p.Arg446Cys (NM_001378617.1); short protein forms R495C, R446C.
Identifiers: ClinVar variation 945768 (VCV000945768.7), dbSNP rs754391657, ClinGen allele CA2863696.

ClinVar aggregate classification (germline): Uncertain significance (1 of 4 stars; one submission).

Conditions:
Meckel-Gruber syndrome. Also called: Dysencephalia splachnocystica; DYSENCEPHALIA SPLANCHNOCYSTICA; GRUBER SYNDROME. Identifiers: Orphanet 564, MedGen C0265215, MONDO:0018921.
Joubert syndrome. Also called: Familial aplasia of the vermis; JOUBERT-BOLTSHAUSER SYNDROME. Identifiers: Orphanet 475, MedGen C5979921, MONDO:0018772.

Allele frequency attached by ClinVar (database versions not stated): ExAC 0.00001; gnomAD exomes 0.00001; TOPMed 0.00001.
gnomAD v4.1: 17 of 1,578,704 alleles (0.0011%); highest among the groups gnomAD compares: African/African-American, 0.0028%; no homozygotes.

Submission:

Labcorp Genetics (formerly Invitae), Labcorp
Classification: Uncertain significance for Joubert syndrome; Meckel-Gruber syndrome. Last evaluated: 2021-08-30. Review status: criteria provided, single submitter. Criteria: Invitae Variant Classification Sherloc (09022015). Collection method: clinical testing. Allele origin: germline.
Comment: This sequence change replaces arginine with cysteine at codon 495 of the CC2D2A protein (p.Arg495Cys). The arginine residue is highly conserved and there is a large physicochemical difference between arginine and cysteine. This variant is present in population databases (rs754391657, ExAC 0.006%). This variant has not been reported in the literature in individuals affected with CC2D2A-related conditions. Algorithms developed to predict the effect of missense changes on protein structure and function are either unavailable or do not agree on the potential impact of this missense change (SIFT: "Deleterious"; PolyPhen-2: "Probably Damaging"; Align-GVGD: "Class C0"). In summary, the available evidence is currently insufficient to determine the role of this variant in disease. Therefore, it has been classified as a Variant of Uncertain Significance.